The following is an entry in ClinVar:

ClinVar aggregate classification (germline): Likely benign. Review status: criteria provided, multiple submitters, no conflicts (2 of 4 stars). 2 submissions from 2 submitters: Likely benign (2). Last evaluated 2022-12-20.

Conditions:
Kufor-Rakeb syndrome (KRS). Also called: PARKINSON DISEASE 9, AUTOSOMAL RECESSIVE, JUVENILE-ONSET. Identifiers: Orphanet 306674, Orphanet 314632, MedGen C1847640, MONDO:0011706, OMIM 606693.
Autosomal recessive spastic paraplegia type 78. Identifiers: Orphanet 513436, MedGen C5567893, MONDO:0014975, OMIM 617225.

Allele frequency attached by ClinVar (database versions not stated): TOPMed below 0.00001; gnomAD 0.00001; gnomAD exomes 0.00001; ExAC 0.00002; 1000 Genomes Project 30x 0.00016; 1000 Genomes Project 0.00020.
gnomAD v4.1: 20 of 1,609,066 alleles (0.0012%); highest among the groups gnomAD compares: South Asian, 0.0022%; no homozygotes.

Submissions (2):

Labcorp Genetics (formerly Invitae), Labcorp
Classification: Likely benign for Kufor-Rakeb syndrome; Autosomal recessive spastic paraplegia type 78. Last evaluated: 2022-12-20. Review status: criteria provided, single submitter. Criteria: Invitae Variant Classification Sherloc (09022015). Collection method: clinical testing. Allele origin: germline.

CeGaT Center for Human Genetics Tuebingen
Classification: Likely benign. Last evaluated: 2022-03-01. Review status: criteria provided, single submitter. Criteria: CeGaT Center For Human Genetics Tuebingen Variant Classification Criteria Version 2. Collection method: clinical testing. Allele origin: germline. Affected: yes. Observed: 1 variant allele.
Comment: ATP13A2: BP4, BP7

NM_022089.4(ATP13A2):c.264C>T (p.Leu88=)

Gene: ATP13A2 (ATPase cation transporting 13A2; minus strand). Cytogenetic location: 1p36.13.
Variant type: single nucleotide variant.
Coding change: c.264C>T on transcript NM_022089.4 (MANE Select); coding-DNA position 264, C replaced by T.
Protein change: p.Leu88=; no amino-acid change (leucine 88 retained).
Molecular consequence: synonymous variant.
Genome position (GRCh38, 1-based): chr1:17,005,398, G>A on the plus strand (C>T on the coding strand, the complement: ATP13A2 is on the minus strand). VCF-style: chr1-17005398-G-A. GRCh37 (hg19) VCF-style: chr1-17331893-G-A.
Other names: c.264C>T, p.Leu88= (NM_001141973.3, NM_001141974.3).
Identifiers: ClinVar variation 1675347 (VCV001675347.36), dbSNP rs554781874, ClinGen allele CA637715.